The following is an entry in ClinVar:

ClinVar aggregate classification (germline): Uncertain significance. Review status: criteria provided, multiple submitters, no conflicts (2 of 4 stars). 3 submissions from 3 submitters: Uncertain significance (3). Last evaluated 2026-07-21.

Conditions:
Familial thoracic aortic aneurysm and aortic dissection (TAAD). Also called: Thoracic aortic aneurysms and dissections. Identifiers: Orphanet 91387, MedGen C4707243, MONDO:0019625.
Heterotopia, periventricular, X-linked dominant (PVNH1). Also called: PERIVENTRICULAR NODULAR HETEROTOPIA 1; X-linked periventricular heterotopia; PERIVENTRICULAR NODULAR HETEROTOPIA 4; HETEROTOPIA, PERIVENTRICULAR, 1. Identifiers: Orphanet 2149, Orphanet 82004, MedGen C1848213, MONDO:0010233, OMIM 300049.
Oto-palato-digital syndrome, type II (OPD2). Also called: Otopalatodigital Syndrome, Type II; FACIOPALATOOSSEOUS SYNDROME; OPD II SYNDROME; Otopalatodigital Syndrome Type 2 (FLNA-OPD2). Identifiers: Orphanet 669, Orphanet 90652, MedGen C1844696, MONDO:0010571, OMIM 304120.
Melnick-Needles syndrome (MNS). Also called: MELNICK-NEEDLES OSTEODYSPLASTY; OSTEODYSPLASTY OF MELNICK AND NEEDLES; Melnick-Needles Syndrome (FLNA-MNS). Identifiers: Orphanet 2484, MedGen C0025237, MONDO:0010650, OMIM 309350.
Frontometaphyseal dysplasia (FMD1). Identifiers: Orphanet 1826, MedGen C0265293, MONDO:0015942.

Allele frequency attached by ClinVar (database versions not stated): TOPMed 0.00001; gnomAD 0.00001.

Submissions (3):

Ambry Genetics
Classification: Uncertain significance for Familial thoracic aortic aneurysm and aortic dissection. Last evaluated: 2026-07-21. Review status: criteria provided, single submitter. Criteria: Ambry Variant Classification Scheme 2023. Collection method: clinical testing. Allele origin: germline.
Comment: The p.E2244K variant (also known as c.6730G>A), located in coding exon 39 of the FLNA gene, results from a G to A substitution at nucleotide position 6730. The glutamic acid at codon 2244 is replaced by lysine, an amino acid with similar properties. This amino acid position is conserved. In addition, the in silico prediction for this alteration is inconclusive. Based on the available evidence, the clinical significance of this variant remains unclear.

GeneDx
Classification: Uncertain significance. Last evaluated: 2024-04-14. Review status: criteria provided, single submitter. Criteria: GeneDx Variant Classification Process June 2021. Collection method: clinical testing. Allele origin: germline. Affected: yes.
Comment: Not observed at significant frequency in large population cohorts (gnomAD); In silico analysis supports that this missense variant has a deleterious effect on protein structure/function; Has not been previously published as pathogenic or benign to our knowledge

Labcorp Genetics (formerly Invitae), Labcorp
Classification: Uncertain significance for Oto-palato-digital syndrome, type II; Heterotopia, periventricular, X-linked dominant; Frontometaphyseal dysplasia; Melnick-Needles syndrome. Last evaluated: 2024-01-24. Review status: criteria provided, single submitter. Criteria: Invitae Variant Classification Sherloc (09022015). Collection method: clinical testing. Allele origin: germline.
Comment: This sequence change replaces glutamic acid, which is acidic and polar, with lysine, which is basic and polar, at codon 2244 of the FLNA protein (p.Glu2244Lys). This variant is not present in population databases (gnomAD no frequency). This variant has not been reported in the literature in individuals affected with FLNA-related conditions. ClinVar contains an entry for this variant (Variation ID: 2442408). Advanced modeling of protein sequence and biophysical properties (such as structural, functional, and spatial information, amino acid conservation, physicochemical variation, residue mobility, and thermodynamic stability) performed at Invitae indicates that this missense variant is not expected to disrupt FLNA protein function with a negative predictive value of 95%. In summary, the available evidence is currently insufficient to determine the role of this variant in disease. Therefore, it has been classified as a Variant of Uncertain Significance.

NM_001110556.2(FLNA):c.6754G>A (p.Glu2252Lys)

Gene: FLNA (filamin A; minus strand). Cytogenetic location: Xq28.
Variant type: single nucleotide variant.
Coding change: c.6754G>A on transcript NM_001110556.2 (MANE Select); coding-DNA position 6754, G replaced by A.
Protein change: p.Glu2252Lys; replaces glutamic acid 2252 with lysine.
Molecular consequence: missense variant.
Genome position (GRCh38, 1-based): chrX:154,352,196, C>T on the plus strand (G>A on the coding strand, the complement: FLNA is on the minus strand). VCF-style: chrX-154352196-C-T. GRCh37 (hg19) VCF-style: chrX-153580564-C-T.
Other names: c.6730G>A, p.Glu2244Lys (NM_001456.4); short protein forms E2244K, E2252K.
Identifiers: ClinVar variation 2442408 (VCV002442408.6), dbSNP rs11541268, ClinGen allele CA415189424.